The following is an entry in ClinVar:

ClinVar aggregate classification (germline): Conflicting classifications of pathogenicity. Review status: criteria provided, conflicting classifications (1 of 4 stars). 20 submissions from 20 submitters: Uncertain significance (1); Benign (6); Likely benign (10). 3 of the submissions do not count toward it. Last evaluated 2026-08-01.

Conditions:
Classic or attenuated familial adenomatous polyposis. Identifiers: MedGen CN372698, MONDO:0021057.
APC-related disorder. Also called: APC-related condition.
Hereditary cancer. Identifiers: MedGen C1333600.
Hereditary cancer-predisposing syndrome. Also called: Neoplastic Syndromes, Hereditary; Hereditary Cancer Syndrome; Tumor predisposition; Hereditary neoplastic syndrome. Identifiers: Orphanet 140162, MedGen C0027672, MeSH D009386, MONDO:0015356.
Familial adenomatous polyposis 1 (FAP1). Also called: FAMILIAL ADENOMATOUS POLYPOSIS 1, ATTENUATED; POLYPOSIS, ADENOMATOUS INTESTINAL. Identifiers: MedGen C2713442, MONDO:0021056, OMIM 175100. Disease mechanism: loss of function.
Familial colorectal cancer. Identifiers: MedGen CN280943, MONDO:0023113. Disease mechanism: loss of function.

Allele frequency attached by ClinVar (database versions not stated): ESP Exome Variant Server 0.00008; 1000 Genomes Project 30x 0.00016; gnomAD exomes 0.00016 and 0.00024; 1000 Genomes Project 0.00020; ExAC 0.00026; gnomAD 0.00036; TOPMed 0.00036.
gnomAD v4.1: 285 of 1,613,952 alleles (0.018%); highest among the groups gnomAD compares: Admixed American, 0.12%; 1 homozygote.

Submissions (20):

CeGaT Center for Human Genetics Tuebingen
Classification: Likely benign. Last evaluated: 2026-08-01. Review status: criteria provided, single submitter. Criteria: CeGaT Center For Human Genetics Tuebingen Variant Classification Criteria Version 2. Collection method: clinical testing. Allele origin: germline. Affected: yes. Observed: 8 variant alleles.
Comment: APC: BP4, BS1

Labcorp Genetics (formerly Invitae), Labcorp
Classification: Benign for Familial adenomatous polyposis 1. Last evaluated: 2026-02-03. Review status: criteria provided, single submitter. Criteria: Invitae Variant Classification Sherloc (09022015). Collection method: clinical testing. Allele origin: germline.

Dasa
Classification: Benign. Last evaluated: 2025-12-19. Review status: criteria provided, single submitter. Criteria: DASA Assertion Criteria. Collection method: clinical testing. Allele origin: germline.
Comment: NM_000038.6(APC):c.6857C>T (p.Ala2286Val) is a missense variant that results in the substitution of alanine with valine. Population frequency is inconsistent with a disease-causing role for this variant. Therefore, based on the currently available evidence, this variant is classified as benign.

Institute for Biomarker Research, Medical Diagnostic Laboratories, L.L.C.
Classification: Benign for Hereditary cancer-predisposing syndrome. Last evaluated: 2025-10-14. Review status: criteria provided, single submitter. Criteria: ACMG Guidelines, 2015. Collection method: clinical testing. Allele origin: germline.
Comment: The missense variant NM_000038.6(APC):c.6857C>T (p.Ala2286Val) has not been reported previously as a pathogenic variant, to our knowledge. The p.Ala2286Val variant is observed in 29/34,526 (0.084%) alleles from individuals of gnomAD Latino background in gnomAD, which is greater than expected for the disorder. There is a small physicochemical difference between alanine and valine, which is not likely to impact secondary protein structure as these residues share similar properties. For these reasons, this variant has been classified as Benign.

Women's Health and Genetics/Laboratory Corporation of America, LabCorp
Classification: Likely benign. Last evaluated: 2025-10-10. Review status: criteria provided, single submitter. Criteria: LabCorp Variant Classification Summary - May 2015. Collection method: clinical testing. Allele origin: germline.
Comment: Variant summary: APC c.6857C>T (p.Ala2286Val) results in a non-conservative amino acid change located in the basic domain (IPR009234) of the encoded protein sequence. Algorithms developed to predict the effect of missense changes on protein structure and function are either unavailable or do not agree on the potential impact of this missense change. The variant allele was found at a frequency of 0.00018 in 1613952 control chromosomes, predominantly at a frequency of 0.0012 within the Latino subpopulation in the gnomAD database. The observed variant frequency within Latino control individuals in the gnomAD database exceeds the estimated maximal expected allele frequency for disease-causing variants in APC. c.6857C>T has been reported in the literature in individuals affected with cancer, including breast cancer (e.g. Tung_2015, Zhang_2015, Tsaousis_2019). These reports do not provide unequivocal conclusions about association of the variant with Familial Adenomatous Polyposis. A co-occurrence with a pathogenic variant has been reported (APC c.896_897delCT, p.Ser299CysfsX27; UMD), providing supporting evidence for a benign role. To our knowledge, no experimental evidence demonstrating an impact on protein function has been reported. The following publications have been ascertained in the context of this evaluation (PMID: 24728327, 26822149, 32590455, 31159747, 25186627, 26580448, 35534704). ClinVar contains an entry for this variant (Variation ID: 127315). Based on the evidence outlined above, the variant was classified as likely benign.

Center for Genomic Medicine, Rigshospitalet, Copenhagen University Hospital
Classification: Likely benign. Last evaluated: 2025-03-04. Review status: criteria provided, single submitter. Criteria: ACMG Guidelines, 2015. Collection method: clinical testing. Allele origin: germline.
Comment: Classification criteria: BP1, BS1

PreventionGenetics, part of Exact Sciences
Classification: Benign for APC-related condition. Last evaluated: 2024-10-02. Review status: criteria provided, single submitter. Criteria: ACMG Guidelines, 2015. Collection method: clinical testing. Allele origin: germline.
Comment: This variant is classified as benign based on ACMG/AMP sequence variant interpretation guidelines (Richards et al. 2015 PMID: 25741868, with internal and published modifications).

All of Us Research Program, National Institutes of Health
Classification: Likely benign for Classic or attenuated familial adenomatous polyposis. Last evaluated: 2024-09-03. Review status: criteria provided, single submitter. Criteria: ACMG Guidelines, 2015. Collection method: clinical testing. Allele origin: germline. Inheritance: Autosomal dominant inheritance. Observed: 60 variant alleles, 60 heterozygotes.
Comment: This study involves interpretation of variants in research participants for the purpose of population health screening. Participant phenotype was not available at the time of variant classification. Additional details can be found in publication PMID: 35346344, PMCID: PMC8962531

Mendelics
Classification: Likely benign for Hereditary cancer. Last evaluated: 2024-01-23. Review status: criteria provided, single submitter. Criteria: ACMG Guidelines, 2015. Collection method: clinical testing. Allele origin: unknown.

Myriad Genetics, Inc.
Classification: Likely benign for Familial adenomatous polyposis 1. Last evaluated: 2023-02-22. Review status: criteria provided, single submitter. Criteria: Myriad Autosomal Dominant, Autosomal Recessive and X-Linked Classification Criteria (2023). Collection method: clinical testing. Allele origin: unknown.
Comment: This variant is considered likely benign. This variant has been observed at a population frequency that is significantly greater than expected given the associated disease prevalence and penetrance.

Quest Diagnostics Nichols Institute San Juan Capistrano
Classification: Benign. Last evaluated: 2022-08-02. Review status: criteria provided, single submitter. Criteria: Quest Diagnostics criteria. Collection method: clinical testing. Allele origin: unknown.

Sema4
Classification: Benign for Hereditary cancer-predisposing syndrome. Last evaluated: 2021-05-10. Review status: criteria provided, single submitter. Criteria: Sema4 Curation Guidelines. Collection method: curation. Allele origin: germline.

Laboratory for Molecular Medicine, Mass General Brigham Personalized Medicine
Classification: Likely benign. Last evaluated: 2020-08-10. Review status: criteria provided, single submitter. Criteria: ACMG Guidelines, 2015. Collection method: clinical testing. Allele origin: germline.
Comment: The p.Ala2286Val variant in APC is classified as likely benign because it has been identified in 0.08% (29/35374) of Latino chromosomes by gnomAD. This variant has also been reported in ClinVar (Variation ID 127315). Computational prediction tools and conservation analyses suggest that this variant may not impact the protein, though this information is not predictive enough to rule out pathogenicity. ACMG/AMP Criteria applied: BS1_Supporting, BP4

Ambry Genetics
Classification: Likely benign for Hereditary cancer-predisposing syndrome. Last evaluated: 2018-09-20. Review status: criteria provided, single submitter. Criteria: Ambry Variant Classification Scheme 2023. Collection method: clinical testing. Allele origin: germline.

GeneKor MSA
Classification: Uncertain significance for Hereditary cancer-predisposing syndrome. Last evaluated: 2018-08-01. Review status: criteria provided, single submitter. Criteria: ACMG Guidelines, 2015. Collection method: clinical testing. Allele origin: germline. Affected: yes.

GeneDx
Classification: Likely benign. Last evaluated: 2017-12-15. Review status: criteria provided, single submitter. Criteria: GeneDx Variant Classification (06012015). Collection method: clinical testing. Allele origin: germline. Affected: yes.
Comment: This variant is considered likely benign or benign based on one or more of the following criteria: it is a conservative change, it occurs at a poorly conserved position in the protein, it is predicted to be benign by multiple in silico algorithms, and/or has population frequency not consistent with disease.

Color Diagnostics, LLC DBA Color Health
Classification: Likely benign for Hereditary cancer-predisposing syndrome. Last evaluated: 2016-03-21. Review status: criteria provided, single submitter. Criteria: ACMG Guidelines, 2015. Collection method: clinical testing. Allele origin: germline.

Counsyl
Classification: Uncertain significance for Familial adenomatous polyposis 1. Last evaluated: 2018-03-27. Review status: no assertion criteria provided. Collection method: clinical testing. Allele origin: unknown. Not counted in ClinVar's aggregate classification.

ITMI
No classification provided. Condition: AllHighlyPenetrant. Last evaluated: 2013-09-19. Review status: no classification provided. Collection method: reference population. Allele origin: germline. Not counted in ClinVar's aggregate classification.
Comment: Please see associated publication for description of ethnicities

Department of Pathology and Laboratory Medicine, Sinai Health System
Classification: Likely benign for Familial colorectal cancer. Review status: no assertion criteria provided. Collection method: clinical testing. Allele origin: unknown. Affected: yes. Study: The Canadian Open Genetics Repository (COGR). Not counted in ClinVar's aggregate classification.
Comment: The APC __p.Ala2286Val variant was identified in dbSNP (ID: rs200587641). This variant is reported in ClinVar (Classified as LB by GeneDx, Ambry, Integrated Genetics, Color. Classified as B by Invitae. Classified as VUS by Counsyl, GeneKorMSA, Mendelics. Classified as P by COGR). The variant was identified in control databases in 61 of 250898 chromosomes (0 homozygous) at a frequency of 0.0002232 and was observed at the highest frequency in the Latino population in 29 of 35374 chromosomes (freq: 0.0008198) (Genome Aggregation Database March 6, 2019, v2.1.1). This variant has been reported in one individual who also carries a potenially pathogenic APC variant (c.896_897delCT/p.Ser299Cysfs*27, UMD database). The p.Ala2286 residue is not conserved in mammals, and computational analyses (MUT Assesor, PolyPhen-2, SIFT, MutationTaster, Revel, FATHMM, MetaLR, DANN) provide inconsistent predictions regarding the impact to the protein; this information is not very predictive of pathogenicity.The variant occurs outside of the splicing consensus sequence and in silico or computational prediction software programs (SpliceSiteFinder, MaxEntScan, NNSPLICE, GeneSplicer, HumanSpliceFinder) do not predict a difference in splicing. In summary, based on the above information the clinical significance of this variant cannot be determined with certainty at this time although we would lean towards a more benign role for this variant. This variant is classified as likely benign

Literature cited by the submitters: PubMed 24728327 (cited by 4 submitters); PubMed 25186627 (cited by 3 submitters); PubMed 26822149 (cited by Women's Health and Genetics/Laboratory Corporation of America, LabCorp and Quest Diagnostics Nichols Institute San Juan Capistrano); PubMed 26580448 (cited by 3 submitters); PubMed 31159747 (cited by Women's Health and Genetics/Laboratory Corporation of America, LabCorp and Quest Diagnostics Nichols Institute San Juan Capistrano); PubMed 32590455 (cited by Women's Health and Genetics/Laboratory Corporation of America, LabCorp); PubMed 35534704 (cited by Women's Health and Genetics/Laboratory Corporation of America, LabCorp).

NM_000038.6(APC):c.6857C>T (p.Ala2286Val)

Gene: APC (APC regulator of Wnt signaling pathway; plus strand). Cytogenetic location: 5q22.2.
Variant type: single nucleotide variant.
Coding change: c.6857C>T on transcript NM_000038.6 (MANE Select); coding-DNA position 6857, C replaced by T.
Protein change: p.Ala2286Val; replaces alanine 2286 with valine.
Molecular consequence: missense variant.
Genome position (GRCh38, 1-based): chr5:112,842,451, C>T. VCF-style: chr5-112842451-C-T. GRCh37 (hg19) VCF-style: chr5-112178148-C-T.
Other names: p.A2286V:GCC>GTC; c.6857C>T, p.Ala2286Val (NM_001127510.3, NM_001354895.2); c.6803C>T, p.Ala2268Val (NM_001127511.3); c.6911C>T, p.Ala2304Val (NM_001354896.2); c.6887C>T, p.Ala2296Val (NM_001354897.2); c.6782C>T, p.Ala2261Val (NM_001354898.2); c.6773C>T, p.Ala2258Val (NM_001354899.2); c.6734C>T, p.Ala2245Val (NM_001354900.2); and 6 more; short protein forms A2286V, A2268V, A2003V, A2126V, A2160V, A2195V, A2258V, A2227V.
Identifiers: ClinVar variation 127315 (VCV000127315.56), dbSNP rs200587641, ClinGen allele CA012589.